The following is an entry in ClinVar:

NM_000541.5(SAG):c.682G>A (p.Val228Met)

Gene: SAG (S-antigen visual arrestin; plus strand). Cytogenetic location: 2q37.1.
Variant type: single nucleotide variant.
Coding change: c.682G>A on transcript NM_000541.5 (MANE Select); coding-DNA position 682, G replaced by A.
Protein change: p.Val228Met; replaces valine 228 with methionine.
Molecular consequence: missense variant.
Genome position (GRCh38, 1-based): chr2:233,329,526, G>A. VCF-style: chr2-233329526-G-A. GRCh37 (hg19) VCF-style: chr2-234238172-G-A.
Other names: c.682G>A (NM_000541.4); short protein forms V228M.
Identifiers: ClinVar variation 1351684 (VCV001351684.12), dbSNP rs377019945, ClinGen allele CA2174487.

ClinVar aggregate classification (germline): Uncertain significance. Review status: criteria provided, multiple submitters, no conflicts (2 of 4 stars). 5 submissions from 5 submitters: Uncertain significance (5). Last evaluated 2025-03-26.

Conditions:
Retinal dystrophy. Also called: Inherited retinal dystrophy. Identifiers: Orphanet 71862, MedGen C0854723, MeSH D058499, MONDO:0019118, HP:0000556.
Retinitis pigmentosa 47 (RP47). Identifiers: Orphanet 791, MedGen C3151061, MONDO:0013407, OMIM 613758.
Oguchi disease-1. Also called: Congenital stationary night blindness Oguchi type 1. Identifiers: MedGen C4551824, MONDO:0009775, OMIM 258100.
SAG-related disorder. Also called: SAG-related condition; SAG-related disorders.

Allele frequency attached by ClinVar (database versions not stated): gnomAD 0.00007; gnomAD exomes 0.00007; ExAC 0.00008; ESP Exome Variant Server 0.00008; TOPMed 0.00010.

Submissions (5):

Labcorp Genetics (formerly Invitae), Labcorp
Classification: Uncertain significance. Last evaluated: 2025-03-26. Review status: criteria provided, single submitter. Criteria: Invitae Variant Classification Sherloc (09022015). Collection method: clinical testing. Allele origin: germline.
Comment: This sequence change replaces valine, which is neutral and non-polar, with methionine, which is neutral and non-polar, at codon 228 of the SAG protein (p.Val228Met). This variant is present in population databases (rs377019945, gnomAD 0.02%). This missense change has been observed in individual(s) with retinitis pigmentosa (PMID: 23591405, 32531858). ClinVar contains an entry for this variant (Variation ID: 1351684). Invitae Evidence Modeling of protein sequence and biophysical properties (such as structural, functional, and spatial information, amino acid conservation, physicochemical variation, residue mobility, and thermodynamic stability) indicates that this missense variant is not expected to disrupt SAG protein function with a negative predictive value of 80%. In summary, the available evidence is currently insufficient to determine the role of this variant in disease. Therefore, it has been classified as a Variant of Uncertain Significance.

PreventionGenetics, part of Exact Sciences
Classification: Uncertain significance for SAG-related condition. Last evaluated: 2025-03-12. Review status: criteria provided, single submitter. Criteria: ACMG Guidelines, 2015. Collection method: clinical testing. Allele origin: germline.
Comment: The SAG c.682G>A variant is predicted to result in the amino acid substitution p.Val228Met. This variant has been reported along with a SAG exon 15-16 duplication in an individual with retinitis pigmentosa (Glöckle et al. 2014. PubMed ID: 23591405). This variant is present in 0.020% of alleles in individuals of South Asian descent in gnomAD. At this time, the clinical significance of this variant is uncertain due to the absence of conclusive functional and genetic evidence.

Blueprint Genetics
Classification: Uncertain significance. Last evaluated: 2024-10-11. Review status: criteria provided, single submitter. Criteria: ACMG Guidelines, 2015. Collection method: clinical testing. Allele origin: germline.

Fulgent Genetics
Classification: Uncertain significance for Oguchi disease-1; Retinitis pigmentosa 47. Last evaluated: 2021-10-08. Review status: criteria provided, single submitter. Criteria: ACMG Guidelines, 2015. Collection method: clinical testing. Allele origin: unknown.

Institute of Human Genetics, Univ. Regensburg, Univ. Regensburg
Classification: Uncertain significance for Retinal dystrophy. Last evaluated: 2019-01-01. Review status: criteria provided, single submitter. Criteria: ACMG Guidelines, 2015. Collection method: clinical testing. Allele origin: germline. Affected: yes.

Literature cited by the submitters: PubMed 23591405 (cited by Labcorp Genetics (formerly Invitae), Labcorp and Institute of Human Genetics, Univ. Regensburg, Univ. Regensburg); PubMed 32531858 (cited by Labcorp Genetics (formerly Invitae), Labcorp and Institute of Human Genetics, Univ. Regensburg, Univ. Regensburg); PubMed 31964843 (cited by Institute of Human Genetics, Univ. Regensburg, Univ. Regensburg).